The following is an entry in ClinVar:

NM_000038.6(APC):c.3957del (p.Pro1319_Val1320insTer)

Gene: APC (APC regulator of Wnt signaling pathway; plus strand). Cytogenetic location: 5q22.2.
Variant type: Deletion.
Coding change: c.3957del on transcript NM_000038.6 (MANE Select); coding-DNA position 3957, one base deleted (T; older notation c.3957delT).
Protein change: p.Pro1319_Val1320insTer.
Molecular consequence: frameshift variant. On other transcripts: non-coding transcript variant (2).
Genome position (GRCh38, 1-based): chr5:112,839,551, T deleted. VCF-style (leftmost placement, unchanged base first): chr5-112839550-CT-C. GRCh37 (hg19) VCF-style: chr5-112175247-CT-C.
Other names: c.3957del, p.Pro1319_Val1320insTer (NM_001127510.3, NM_001354895.2, NM_001407450.1); c.3903del, p.Pro1301_Val1302insTer (NM_001127511.3); c.4011del, p.Pro1337_Val1338insTer (NM_001354896.2, NM_001407447.1, NM_001407448.1 and 1 more transcripts); c.3987del, p.Pro1329_Val1330insTer (NM_001354897.2); c.3882del, p.Pro1294_Val1295insTer (NM_001354898.2); c.3873del, p.Pro1291_Val1292insTer (NM_001354899.2); c.3834del, p.Pro1278_Val1279insTer (NM_001354900.2); c.3780del, p.Pro1260_Val1261insTer (NM_001354901.2, NM_001407453.1); and 11 more.
Identifiers: ClinVar variation 2583300 (VCV002583300.2), dbSNP rs2533537356, ClinGen allele CA445963948.
Genomic context (GRCh38, chr5:112,839,550, plus strand): 5'-CTAATACCCTGCAAATAGCAGAAATAAAAGAAAAGATTGGAACTAGGTCAGCTGAAGATC[CT>C]GTGAGCGAAGTTCCAGCAGTGTCACAGCACCCTAGAACCAAATCCAGCAGACTGCAGGGT-3'

ClinVar aggregate classification (germline): Pathogenic (1 of 4 stars; one submission).

Conditions:
Familial adenomatous polyposis 1 (FAP1). Also called: POLYPOSIS, ADENOMATOUS INTESTINAL; FAMILIAL ADENOMATOUS POLYPOSIS 1, ATTENUATED. Identifiers: MedGen C2713442, MONDO:0021056, OMIM 175100. Disease mechanism: loss of function.

Submission:

Myriad Genetics, Inc.
Classification: Pathogenic for Familial adenomatous polyposis 1. Last evaluated: 2023-05-09. Review status: criteria provided, single submitter. Criteria: Myriad Autosomal Dominant, Autosomal Recessive and X-Linked Classification Criteria (2023). Collection method: clinical testing. Allele origin: unknown.
Comment: This variant is considered pathogenic. This variant creates a termination codon and is predicted to result in premature protein truncation.